The following is an entry in ClinVar:

ClinVar aggregate classification (germline): Conflicting classifications of pathogenicity. Review status: criteria provided, conflicting classifications (1 of 4 stars). 2 submissions from 2 submitters: Uncertain significance (1); Likely benign (1). Last evaluated 2026-09-08.

Conditions:
Fabry disease. Also called: Ceramide trihexosidosis; Fabry's disease; ALPHA-GALACTOSIDASE A DEFICIENCY; ANDERSON-FABRY DISEASE; CERAMIDE TRIHEXOSIDASE DEFICIENCY; GLA DEFICIENCY. Identifiers: Orphanet 324, MedGen C0002986, MONDO:0010526, OMIM 301500, HP:0001071. Disease mechanism: Fabry disease is due to inactivating mutations in the X-linked GLA gene resulting in deficiency of the enzyme Alpha Galactosidase-A., loss of function.

Submissions (2):

Genomenon, Inc
Classification: Likely benign for Fabry disease. Last evaluated: 2026-09-08. Review status: criteria provided, single submitter. Criteria: Genomenon Sequence Variant Interpretation Standards - Updated. Collection method: curation. Allele origin: germline. Affected: no.
Comment: GLA c.640-336T>C is an intronic variant located in intron 4. This variant has been reported in the published literature (PMID:39336803). It is absent or not present at a significant frequency in gnomAD. This variant is not predicted to impact splicing. In conclusion, we classify GLA c.640-336T>C as a likely benign variant.

Women's Health and Genetics/Laboratory Corporation of America, LabCorp
Classification: Uncertain significance. Last evaluated: 2023-04-11. Review status: criteria provided, single submitter. Criteria: LabCorp Variant Classification Summary - May 2015. Collection method: clinical testing. Allele origin: germline.

Literature cited by the submitters: PubMed 39336803 (cited by Genomenon, Inc).

NM_000169.3(GLA):c.640-336T>C

Genes: GLA (galactosidase alpha; minus strand), RPL36A-HNRNPH2 (RPL36A-HNRNPH2 readthrough; plus strand). Cytogenetic location: Xq22.1.
Variant type: single nucleotide variant.
Coding change: c.640-336T>C on transcript NM_000169.3 (MANE Select); 336 bases into the intron before coding-DNA position 640, T replaced by C.
Molecular consequence: intron variant.
Genome position (GRCh38, 1-based): chrX:101,399,282, A>G on the plus strand (T>C on the coding strand, the complement: GLA is on the minus strand). VCF-style: chrX-101399282-A-G. GRCh37 (hg19) VCF-style: chrX-100654270-A-G.
Other names: c.300+3825A>G (NM_001199973.2); c.177+7460A>G (NM_001199974.2); c.763-336T>C (NM_001406747.1); c.640-336T>C (NM_001406748.1).
Identifiers: ClinVar variation 2503895 (VCV002503895.3), dbSNP rs2520875678, ClinGen allele CA2580612330.